The following is an entry in ClinVar:

NM_001286577.2(C2CD3):c.1577C>T (p.Thr526Ile)

Gene: C2CD3 (C2 domain containing 3 centriole elongation regulator; minus strand). Cytogenetic location: 11q13.4.
Variant type: single nucleotide variant.
Coding change: c.1577C>T on transcript NM_001286577.2 (MANE Select); coding-DNA position 1577, C replaced by T.
Protein change: p.Thr526Ile; replaces threonine 526 with isoleucine.
Molecular consequence: missense variant.
Genome position (GRCh38, 1-based): chr11:74,114,537, G>A on the plus strand (C>T on the coding strand, the complement: C2CD3 is on the minus strand). VCF-style: chr11-74114537-G-A. GRCh37 (hg19) VCF-style: chr11-73825582-G-A.
Other names: c.1577C>T, p.Thr526Ile (NM_015531.6); c.1577C>T (NM_015531.4); short protein forms T526I.
Identifiers: ClinVar variation 2057966 (VCV002057966.4), dbSNP rs375030806, ClinGen allele CA6182913.

ClinVar aggregate classification (germline): Uncertain significance. Review status: criteria provided, multiple submitters, no conflicts (2 of 4 stars). 2 submissions from 2 submitters: Uncertain significance (2). Last evaluated 2025-07-31.

Conditions:
Inborn genetic diseases. Identifiers: MedGen C0950123, MeSH D030342.

Allele frequency attached by ClinVar (database versions not stated): gnomAD 0.00001; ExAC 0.00002; TOPMed 0.00003; ESP Exome Variant Server 0.00008; gnomAD exomes 0.00008.
gnomAD v4.1: 123 of 1,613,812 alleles (0.0076%); highest among the groups gnomAD compares: Non-Finnish European, 0.01%; no homozygotes.

Submissions (2):

Ambry Genetics
Classification: Uncertain significance for Inborn genetic diseases. Last evaluated: 2025-07-31. Review status: criteria provided, single submitter. Criteria: Ambry Variant Classification Scheme 2023. Collection method: clinical testing. Allele origin: germline.

Labcorp Genetics (formerly Invitae), Labcorp
Classification: Uncertain significance. Last evaluated: 2022-07-05. Review status: criteria provided, single submitter. Criteria: Invitae Variant Classification Sherloc (09022015). Collection method: clinical testing. Allele origin: germline.
Comment: This sequence change replaces threonine, which is neutral and polar, with isoleucine, which is neutral and non-polar, at codon 526 of the C2CD3 protein (p.Thr526Ile). This variant is present in population databases (rs375030806, gnomAD 0.005%). This variant has not been reported in the literature in individuals affected with C2CD3-related conditions. Algorithms developed to predict the effect of missense changes on protein structure and function are either unavailable or do not agree on the potential impact of this missense change (SIFT: "Tolerated"; PolyPhen-2: "Possibly Damaging"; Align-GVGD: "Class C0"). In summary, the available evidence is currently insufficient to determine the role of this variant in disease. Therefore, it has been classified as a Variant of Uncertain Significance.